The following is an entry in ClinVar:

NM_001008216.2(GALE):c.221A>G (p.Gln74Arg)

Gene: GALE (UDP-galactose-4-epimerase; minus strand). Cytogenetic location: 1p36.11.
Variant type: single nucleotide variant.
Coding change: c.221A>G on transcript NM_001008216.2 (MANE Select); coding-DNA position 221, A replaced by G.
Protein change: p.Gln74Arg; replaces glutamine 74 with arginine.
Molecular consequence: missense variant.
Genome position (GRCh38, 1-based): chr1:23,798,631, T>C on the plus strand (A>G on the coding strand, the complement: GALE is on the minus strand). VCF-style: chr1-23798631-T-C. GRCh37 (hg19) VCF-style: chr1-24125121-T-C.
Other names: c.221A>G, p.Gln74Arg (NM_000403.4, NM_001127621.2); short protein forms Q74R.
Identifiers: ClinVar variation 4988823 (VCV004988823.1).

ClinVar aggregate classification (germline): Uncertain significance (1 of 4 stars; one submission).

Conditions:
GALE-related disorder. Also called: GALE-related condition.

Submission:

PreventionGenetics, part of Exact Sciences
Classification: Uncertain significance for GALE-related condition. Last evaluated: 2026-07-29. Review status: criteria provided, single submitter. Criteria: ACMG Guidelines, 2015. Collection method: clinical testing. Allele origin: germline.
Comment: The GALE c.221A>G variant is predicted to result in the amino acid substitution p.Gln74Arg. To our knowledge, this variant has not been reported in the literature. This variant is reported in 0.0029% of alleles in individuals of Latino descent in gnomAD. At this time, the clinical significance of this variant is uncertain due to the absence of conclusive functional and genetic evidence.